The following is an entry in ClinVar:

NM_000158.4(GBE1):c.1909C>T (p.Arg637Ter)

Gene: GBE1 (1,4-alpha-glucan branching enzyme 1; minus strand). Cytogenetic location: 3p12.2.
Variant type: single nucleotide variant.
Coding change: c.1909C>T on transcript NM_000158.4 (MANE Select); coding-DNA position 1909, C replaced by T.
Protein change: p.Arg637Ter; replaces arginine 637 with a stop codon.
Molecular consequence: nonsense.
Genome position (GRCh38, 1-based): chr3:81,535,220, G>A on the plus strand (C>T on the coding strand, the complement: GBE1 is on the minus strand). VCF-style: chr3-81535220-G-A. GRCh37 (hg19) VCF-style: chr3-81584371-G-A.
Other names: NM_000158.4(GBE1):c.1909C>T; p.Arg637Ter; p.Arg637*; short protein forms R637*.
Identifiers: ClinVar variation 346785 (VCV000346785.19), dbSNP rs766935302, ClinGen allele CA2499528.
Genomic context (GRCh38, chr3:81,535,220, plus strand): 5'-TGGACAGTCATATTCACTGGTAACAAAAAGGATATTTCCCTGGCAATGCTGTTCCAACTC[G>A]GTAGTCAGTGTAGCTCTTGCTTGGATGGAAGTTGAAAATGAAAAGAAGACCTGCTCTTTC-3'

ClinVar aggregate classification (germline): Pathogenic/Likely pathogenic. Review status: criteria provided, multiple submitters, no conflicts (2 of 4 stars). 9 submissions from 9 submitters: Pathogenic (7); Likely pathogenic (1). 1 of the submissions does not count toward it. Last evaluated 2026-01-28.

Conditions:
Glycogen storage disease, type IV (GSD4). Also called: Glycogen storage disease due to glycogen branching enzyme deficiency; AMYLOPECTINOSIS; ANDERSEN DISEASE; BRANCHER DEFICIENCY; CIRRHOSIS, FAMILIAL, WITH DEPOSITION OF ABNORMAL GLYCOGEN; GBE1 DEFICIENCY. Identifiers: Orphanet 367, MedGen C0017923, MONDO:0009292, OMIM 232500.
Glycogen storage disease IV, classic hepatic. Also called: GSD IV, CLASSIC HEPATIC. Identifiers: MedGen C1856301.
GBE1-related disorder. Also called: GBE1-related disorders; GBE1-related condition. Identifiers: MedGen CN239402.

Allele frequency attached by ClinVar (database versions not stated): TOPMed 0.00003; gnomAD 0.00001; ExAC 0.00003; gnomAD exomes 0.00003.
gnomAD v4.1: 49 of 1,610,418 alleles (0.003%); highest among the groups gnomAD compares: Non-Finnish European, 0.004%; no homozygotes.

Submissions (9):

Labcorp Genetics (formerly Invitae), Labcorp
Classification: Pathogenic for Glycogen storage disease, type IV; Glycogen storage disease IV, classic hepatic. Last evaluated: 2026-01-28. Review status: criteria provided, single submitter. Criteria: Invitae Variant Classification Sherloc (09022015). Collection method: clinical testing. Allele origin: germline.
Comment: This sequence change creates a premature translational stop signal (p.Arg637*) in the GBE1 gene. It is expected to result in an absent or disrupted protein product. Loss-of-function variants in GBE1 are known to be pathogenic (PMID: 15452297, 20058079). This variant is present in population databases (rs766935302, gnomAD 0.007%). This premature translational stop signal has been observed in individual(s) with glycogen storage disease (PMID: 15452297, 15520786, 17915577). In at least one individual the data is consistent with being in trans (on the opposite chromosome) from a pathogenic variant. ClinVar contains an entry for this variant (Variation ID: 346785). Algorithms developed to predict the effect of sequence changes on RNA splicing suggest that this variant may disrupt the consensus splice site. For these reasons, this variant has been classified as Pathogenic.

Mayo Clinic Laboratories, Mayo Clinic
Classification: Pathogenic. Last evaluated: 2025-04-15. Review status: criteria provided, single submitter. Criteria: ACMG Guidelines, 2015. Collection method: clinical testing. Allele origin: germline. Observed: 1 variant allele.
Comment: PP4, PM2_supporting, PM3_strong, PVS1

3billion
Classification: Pathogenic for Glycogen storage disease, type IV. Last evaluated: 2024-08-01. Review status: criteria provided, single submitter. Criteria: ACMG Guidelines, 2015. Collection method: clinical testing. Allele origin: germline. Affected: yes.
Comment: The variant is observed at an extremely low frequency in the gnomAD v4.0.0 dataset (total allele frequency: 0.003%). Predicted Consequence/Location: Stop-gained (nonsense): predicted to result in a loss or disruption of normal protein function through nonsense-mediated decay (NMD) or protein truncation. Multiple pathogenic variants are reported downstream of the variant. The variant has been reported at least twice as pathogenic with clinical assertions and evidence for the classification (ClinVar ID: VCV000346785 /PMID: 15452297). Therefore, this variant is classified as Pathogenic according to the recommendation of ACMG/AMP guideline.

Myriad Genetics, Inc.
Classification: Pathogenic for Glycogen storage disease, type IV. Last evaluated: 2024-05-14. Review status: criteria provided, single submitter. Criteria: Myriad Autosomal Dominant, Autosomal Recessive and X-Linked Classification Criteria (2023). Collection method: clinical testing. Allele origin: unknown.
Comment: NM_000158.3(GBE1):c.1909C>T(R637*) is expected to be pathogenic in the context of glycogen storage disease, GBE1-related. This variant is predicted to lead to an abnormal or absent protein product due to the creation of a premature termination codon in GBE1, a gene where loss-of-function variants are known to be pathogenic. Please note: this variant was assessed in the context of healthy population screening.

Baylor Genetics
Classification: Pathogenic for Glycogen storage disease, type IV. Last evaluated: 2023-07-24. Review status: criteria provided, single submitter. Criteria: ACMG Guidelines, 2015. Collection method: clinical testing. Allele origin: unknown.

Broad Center for Mendelian Genomics, Broad Institute of MIT and Harvard
Classification: Pathogenic for Glycogen storage disease, type IV. Last evaluated: 2022-01-27. Review status: criteria provided, single submitter. Criteria: ACMG Guidelines, 2015. Collection method: curation. Allele origin: germline. Inheritance: Autosomal recessive inheritance.
Comment: The p.Arg637Ter variant in GBE1 has been reported in 4 individuals with glycogen storage disease type IV (GSD IV) (PMID: 15452297, 15520786, 19438752, 31747834) and has been identified in 0.007% (1/15366) of African/African-American chromosomes by the Genome Aggregation Database (gnomAD; dbSNP ID: rs766935302). Although this variant has been seen in the general population in a heterozygous state, its frequency is low enough to be consistent with a recessive carrier frequency. Of the 4 affected individuals, 1 of those was a homozygote and 1 was a compound heterozygote that carried a reported variant of uncertain significance in trans, which increases the likelihood that the p.Arg637Ter variant is pathogenic (PMID: 19438752, 31747834). This variant has also been reported in ClinVar (Variation ID#: 346785) and has been interpreted as likely pathogenic or pathogenic by Illumina Clinical Services Laboratory, Invitae and Natera. This nonsense variant leads to a premature termination codon at position 637, which is predicted to lead to a truncated or absent protein. Loss of function of the GBE1 gene is an established disease mechanism in autosomal recessive GSD IV. The phenotype of individuals homozygous or compound heterozygous for this variant is highly specific for GSD IV based on strict biochemical investigations consistent with disease (PMID: 15452297, 19438752). In summary, this variant meets criteria to be classified as pathogenic for autosomal recessive GSD IV. ACMG/AMP Criteria applied: PVS1, PM2_supporting, PM3_supporting, PP4 (Richards 2015).

Blueprint Genetics
Classification: Pathogenic for GBE1-related disorders. Last evaluated: 2020-07-07. Review status: criteria provided, single submitter. Criteria: ACMG Guidelines, 2015. Collection method: clinical testing. Allele origin: germline. Affected: yes. Observed: 3 variant alleles.

Illumina Laboratory Services, Illumina
Classification: Likely pathogenic for GBE1-Related Disorders. Last evaluated: 2017-04-28. Review status: criteria provided, single submitter. Criteria: ICSL Variant Classification Criteria 09 May 2019. Collection method: clinical testing. Allele origin: germline.
Comment: The GBE1 c.1909C>T (p.Arg637Ter) variant is a stop-gained variant that has been reported in three studies, in which it is found in a total of three individuals with the most severe form of glycogen storage disorder type IV, including in one in a homozygous state and in two in a compound heterozygous state (Bruno et al. 2004; Janecke et al. 2004; Jimenez-Mallebrera et al. 2009). The p.Arg637Ter variant was absent from 120 control chromosomes but reported at a frequency of 0.00005 in the European (non-Finnish) population of the Exome Aggregation Consortium. Functional studies in both individual fibroblasts and muscle tissue demonstrated that the variant resulted in less than five percent of glycogen branching enzyme activity compared to wild type (Bruno et al. 2004; Jimenez-Mallebrera et al. 2009). Due to the potential impact of stop-gained variants and the supporting evidence, the p.Arg637Ter variant is considered to be pathogenic for GBE1-related disorders. This variant was observed by ICSL as part of a predisposition screen in an ostensibly healthy population.

Natera, Inc.
Classification: Pathogenic for Glycogen storage disease type IV. Last evaluated: 2020-09-16. Review status: no assertion criteria provided. Collection method: clinical testing. Allele origin: germline. Not counted in ClinVar's aggregate classification.

Literature cited by the submitters: PubMed 15452297 (cited by 4 submitters); PubMed 20058079 (cited by Labcorp Genetics (formerly Invitae), Labcorp); PubMed 15520786 (cited by 3 submitters); PubMed 17915577 (cited by Labcorp Genetics (formerly Invitae), Labcorp); PubMed 19438752 (cited by Mayo Clinic Laboratories, Mayo Clinic and Illumina Laboratory Services, Illumina); PubMed 31747834 (cited by Mayo Clinic Laboratories, Mayo Clinic); PubMed 38012812 (cited by Mayo Clinic Laboratories, Mayo Clinic); PubMed 38164512 (cited by Mayo Clinic Laboratories, Mayo Clinic).